The following is an entry in ClinVar:

ClinVar aggregate classification (germline): Likely benign. Review status: criteria provided, multiple submitters, no conflicts (2 of 4 stars). 2 submissions from 2 submitters: Likely benign (2). Last evaluated 2026-07-01.

Allele frequency attached by ClinVar (database versions not stated): gnomAD 0.00004; gnomAD exomes 0.00006 and 0.00035; TOPMed 0.00020; ExAC 0.00029; 1000 Genomes Project 30x 0.00031.
gnomAD v4.1: 95 of 1,601,972 alleles (0.0059%); highest among the groups gnomAD compares: Admixed American, 0.17%; 1 homozygote.

Submissions (2):

CeGaT Center for Human Genetics Tuebingen
Classification: Likely benign. Last evaluated: 2026-07-01. Review status: criteria provided, single submitter. Criteria: CeGaT Center For Human Genetics Tuebingen Variant Classification Criteria Version 2. Collection method: clinical testing. Allele origin: germline. Affected: yes. Observed: 1 variant allele.
Comment: TRMT5: BP4

Labcorp Genetics (formerly Invitae), Labcorp
Classification: Likely benign. Last evaluated: 2026-01-21. Review status: criteria provided, single submitter. Criteria: Invitae Variant Classification Sherloc (09022015). Collection method: clinical testing. Allele origin: germline.

NM_020810.3(TRMT5):c.1450C>T (p.His484Tyr)

Gene: TRMT5 (tRNA methyltransferase 5; minus strand). Cytogenetic location: 14q23.1.
Variant type: single nucleotide variant.
Coding change: c.1450C>T on transcript NM_020810.3 (MANE Select); coding-DNA position 1450, C replaced by T.
Protein change: p.His484Tyr; replaces histidine 484 with tyrosine.
Molecular consequence: missense variant.
Genome position (GRCh38, 1-based): chr14:60,975,189, G>A on the plus strand (C>T on the coding strand, the complement: TRMT5 is on the minus strand). VCF-style: chr14-60975189-G-A. GRCh37 (hg19) VCF-style: chr14-61441907-G-A.
Other names: c.1534C>T, p.His512Tyr (NM_001350253.1); c.1531C>T, p.His511Tyr (NM_001350254.1); short protein forms H484Y, H512Y, H511Y.
Identifiers: ClinVar variation 778481 (VCV000778481.10), dbSNP rs200972315, ClinGen allele CA7213714.